The following is an entry in ClinVar:

NM_002471.4(MYH6):c.4837G>A (p.Val1613Ile)

Genes: MYH6 (myosin heavy chain 6; minus strand), LOC126861896 (BRD4-independent group 4 enhancer GRCh37_chr14:23854904-23856103; plus strand). Cytogenetic location: 14q11.2.
Variant type: single nucleotide variant.
Coding change: c.4837G>A on transcript NM_002471.4 (MANE Select); coding-DNA position 4837, G replaced by A.
Protein change: p.Val1613Ile; replaces valine 1613 with isoleucine.
Molecular consequence: missense variant.
Genome position (GRCh38, 1-based): chr14:23,386,437, C>T on the plus strand (G>A on the coding strand, the complement: MYH6 is on the minus strand). VCF-style: chr14-23386437-C-T. GRCh37 (hg19) VCF-style: chr14-23855646-C-T.
Other names: short protein forms V1613I.
Identifiers: ClinVar variation 3621545 (VCV003621545.2).

ClinVar aggregate classification (germline): Uncertain significance (1 of 4 stars; one submission).

Conditions:
Hypertrophic cardiomyopathy 14. Identifiers: MedGen C2750467, MONDO:0013197, OMIM 613251.

Submission:

Labcorp Genetics (formerly Invitae), Labcorp
Classification: Uncertain significance for Hypertrophic cardiomyopathy 14. Last evaluated: 2024-12-11. Review status: criteria provided, single submitter. Criteria: Invitae Variant Classification Sherloc (09022015). Collection method: clinical testing. Allele origin: germline.
Comment: This sequence change replaces valine, which is neutral and non-polar, with isoleucine, which is neutral and non-polar, at codon 1613 of the MYH6 protein (p.Val1613Ile). This variant is not present in population databases (gnomAD no frequency). This variant has not been reported in the literature in individuals affected with MYH6-related conditions. Invitae Evidence Modeling of protein sequence and biophysical properties (such as structural, functional, and spatial information, amino acid conservation, physicochemical variation, residue mobility, and thermodynamic stability) indicates that this missense variant is not expected to disrupt MYH6 protein function with a negative predictive value of 80%. In summary, the available evidence is currently insufficient to determine the role of this variant in disease. Therefore, it has been classified as a Variant of Uncertain Significance.